The following is an entry in ClinVar:

NM_000237.3(LPL):c.911G>C (p.Ser304Thr)

Gene: LPL (lipoprotein lipase; plus strand). Cytogenetic location: 8p21.3.
Variant type: single nucleotide variant.
Coding change: c.911G>C on transcript NM_000237.3 (MANE Select); coding-DNA position 911, G replaced by C.
Protein change: p.Ser304Thr; replaces serine 304 with threonine.
Molecular consequence: missense variant.
Genome position (GRCh38, 1-based): chr8:19,955,976, G>C. VCF-style: chr8-19955976-G-C. GRCh37 (hg19) VCF-style: chr8-19813487-G-C.
Other names: short protein forms S304T.
Identifiers: ClinVar variation 1765876 (VCV001765876.2), dbSNP rs769886647, ClinGen allele CA370469226.
Genomic context (GRCh38, chr8:19,955,976, plus strand): 5'-ATCCAAGTAAGGCCTACAGGTGCAGTTCCAAGGAAGCCTTTGAGAAAGGGCTCTGCTTGA[G>C]TTGTAGAAAGAACCGCTGCAACAATCTGGGCTATGAGATCAATAAAGTCAGAGCCAAAAG-3'
Protein context (NP_000228.1, residues 294-314): KEAFEKGLCL[Ser304Thr]CRKNRCNNLG

ClinVar aggregate classification (germline): Uncertain significance (1 of 4 stars; one submission).

Conditions:
Cardiovascular phenotype. Identifiers: MedGen CN230736.

Allele frequency attached by ClinVar (database versions not stated): TOPMed below 0.00001.

Submission:

Ambry Genetics
Classification: Uncertain significance for Cardiovascular phenotype. Last evaluated: 2021-11-14. Review status: criteria provided, single submitter. Criteria: Ambry Variant Classification Scheme 2023. Collection method: clinical testing. Allele origin: germline.
Comment: The p.S304T variant (also known as c.911G>C), located in coding exon 6 of the LPL gene, results from a G to C substitution at nucleotide position 911. The serine at codon 304 is replaced by threonine, an amino acid with similar properties. This amino acid position is conserved. In addition, the in silico prediction for this alteration is inconclusive. Since supporting evidence is limited at this time, the clinical significance of this alteration remains unclear.